The following is an entry in ClinVar:

NM_004239.4(TRIP11):c.5210C>T (p.Thr1737Ile)

Gene: TRIP11 (thyroid hormone receptor interactor 11; minus strand). Cytogenetic location: 14q32.12.
Variant type: single nucleotide variant.
Coding change: c.5210C>T on transcript NM_004239.4 (MANE Select); coding-DNA position 5210, C replaced by T.
Protein change: p.Thr1737Ile; replaces threonine 1737 with isoleucine.
Molecular consequence: missense variant.
Genome position (GRCh38, 1-based): chr14:91,988,334, G>A on the plus strand (C>T on the coding strand, the complement: TRIP11 is on the minus strand). VCF-style: chr14-91988334-G-A. GRCh37 (hg19) VCF-style: chr14-92454678-G-A.
Other names: c.5207C>T, p.Thr1736Ile (NM_001321851.1); short protein forms T1736I, T1737I.
Identifiers: ClinVar variation 3359975 (VCV003359975.1).
Genomic context (GRCh38, chr14:91,988,334, plus strand): 5'-AAAAACCTACTTTGTCTTTTAAGTTCTTCAATTTGTTCTTCTTTTACATCTAACTGTTCT[G>A]TAAGTCTTGATGCTGAATCCAATGCAGCATTTGCTTCATCCAAACATTCCTGAGAAAGAA-3'
Protein context (NP_004230.2, residues 1727-1747): NAALDSASRL[Thr1737Ile]EQLDVKEEQI

ClinVar aggregate classification (germline): Uncertain significance (1 of 4 stars; one submission).

gnomAD v4.1: 4 of 1,613,602 alleles (0.00025%); highest among the groups gnomAD compares: South Asian, 0.0033%; no homozygotes.

Submission:

GeneDx
Classification: Uncertain significance. Last evaluated: 2023-06-21. Review status: criteria provided, single submitter. Criteria: GeneDx Variant Classification Process June 2021. Collection method: clinical testing. Allele origin: germline. Affected: yes.
Comment: Not observed at significant frequency in large population cohorts (gnomAD); In silico analysis supports that this missense variant has a deleterious effect on protein structure/function; Has not been previously published as pathogenic or benign to our knowledge